The following is an entry in ClinVar:

NM_001009944.3(PKD1):c.5223G>A (p.Glu1741=)

Gene: PKD1 (polycystin 1, transient receptor potential channel interacting; minus strand). Cytogenetic location: 16p13.3.
Variant type: single nucleotide variant.
Coding change: c.5223G>A on transcript NM_001009944.3 (MANE Select); coding-DNA position 5223, G replaced by A.
Protein change: p.Glu1741=; no amino-acid change (glutamic acid 1741 retained).
Molecular consequence: synonymous variant.
Genome position (GRCh38, 1-based): chr16:2,109,944, C>T on the plus strand (G>A on the coding strand, the complement: PKD1 is on the minus strand). VCF-style: chr16-2109944-C-T. GRCh37 (hg19) VCF-style: chr16-2159945-C-T.
Other names: c.5223G>A, p.Glu1741= (NM_000296.4).
Identifiers: ClinVar variation 997394 (VCV000997394.1), dbSNP rs779556506, ClinGen allele CA7832074.

ClinVar aggregate classification (germline): Likely benign (0 of 4 stars; one submission).

Conditions:
Polycystic kidney disease. Also called: Polycystic kidney dysplasia; Kidney, Polycystic. Identifiers: MedGen C0022680, MeSH D007690, MONDO:0020642, HP:0000113.

Allele frequency attached by ClinVar (database versions not stated): gnomAD exomes below 0.00001; ExAC 0.00001.
gnomAD v4.1: 3 of 1,610,292 alleles (0.00019%); highest among the groups gnomAD compares: South Asian, 0.0011%; no homozygotes.

Submission:

Department of Pathology and Laboratory Medicine, Sinai Health System
Classification: Likely benign for Polycystic Kidney disease. Review status: no assertion criteria provided. Collection method: clinical testing. Allele origin: unknown. Affected: yes. Study: The Canadian Open Genetics Repository (COGR).
Comment: The PKD1 p.Glu1741= variant was not identified in the literature nor was it identified in the ClinVar, LOVD 3.0, ADPKD Mutation Database, or PKD1-LOVD databases. The variant was identified in dbSNP (ID: rs779556506) as â€šÃ„ÃºNAâ€šÃ„Ã¹. The variant was identified in control databases in 1 of 239192 chromosomes at a frequency of 0.000004 (Genome Aggregation Database Feb 27, 2017). The variant was observed in the South Asian population in 1 of 30402 chromosomes (freq: 0.00003), while the variant was not observed in the African, Other, Latino, European (Non-Finnish), Ashkenazi Jewish, East Asian, or European (Finnish) populations. In addition, we cannot be certain that data from control databases is specific to PKD1 and not from one of the six PKD1 pseudogenes. The variant was identified in our laboratory with a co-occurring pathogenic PKD1 variant (c.12658G>T, p.Glu4220*), increasing the likelihood that the p.Ser1352= variant does not have clinical significance. The p.Glu1741= variant is also not expected to have clinical significance because it does not result in a change of amino acid and is not located in a known consensus splice site. In addition, in silico or computational prediction software programs (SpliceSiteFinder, MaxEntScan, NNSPLICE, GeneSplicer) do not predict a difference in splicing. In summary, based on the above information, the clinical significance of this variant cannot be determined with certainty at this time although we would lean towards a more benign role for this variant. This variant is classified as likely benign.